The following is an entry in ClinVar:

ClinVar aggregate classification (germline): Uncertain significance (1 of 4 stars; one submission).

Submission:

CeGaT Center for Human Genetics Tuebingen
Classification: Uncertain significance. Last evaluated: 2025-08-01. Review status: criteria provided, single submitter. Criteria: CeGaT Center For Human Genetics Tuebingen Variant Classification Criteria Version 2. Collection method: clinical testing. Allele origin: germline. Affected: yes. Observed: 1 variant allele.
Comment: RBM10: PM2

NC_000023.11:g.47147355AG[1]

Gene: RBM10 (RNA binding motif protein 10; plus strand). Cytogenetic location: Xp11.3.
Variant type: Microsatellite.
Genome position: GRCh38 VCF-style: chrX-47147354-CAG-C. GRCh37 (hg19) VCF-style: chrX-47006753-CAG-C.
Identifiers: ClinVar variation 4085652 (VCV004085652.8).
Genomic context (GRCh38, chrX:47,147,354, plus strand): 5'-TTCTCAAGGAGGCCCTCTCAGTCCCAACAGTTTTGACCCCTTTCTTCCCTCCACTCTCCC[CAG>C]AGTCCCTGCAGGAAGCATCACCCAGGCTGGCAGATCATGGTAGCAGCAGCGGGGGTGGCT-3'